The following is an entry in ClinVar:

ClinVar aggregate classification (germline): Uncertain significance. Review status: criteria provided, multiple submitters, no conflicts (2 of 4 stars). 2 submissions from 2 submitters: Uncertain significance (2). Last evaluated 2024-02-12.

Conditions:
Familial cold autoinflammatory syndrome 3 (FCAS3). Also called: ANTIBODY DEFICIENCY AND IMMUNE DYSREGULATION, PLCG2-ASSOCIATED; FAMILIAL ATYPICAL COLD URTICARIA. Identifiers: Orphanet 300359, MedGen C3280914, MONDO:0013766, OMIM 614468.

Allele frequency attached by ClinVar (database versions not stated): gnomAD exomes below 0.00001 and 0.00001; gnomAD 0.00001; TOPMed 0.00001.
gnomAD v4.1: 7 of 1,613,988 alleles (0.00043%); highest among the groups gnomAD compares: Non-Finnish European, 0.00059%; no homozygotes.

Submissions (2):

Labcorp Genetics (formerly Invitae), Labcorp
Classification: Uncertain significance for Familial cold autoinflammatory syndrome 3. Last evaluated: 2024-02-12. Review status: criteria provided, single submitter. Criteria: Invitae Variant Classification Sherloc (09022015). Collection method: clinical testing. Allele origin: germline.
Comment: This sequence change replaces methionine, which is neutral and non-polar, with threonine, which is neutral and polar, at codon 729 of the PLCG2 protein (p.Met729Thr). This variant is present in population databases (no rsID available, gnomAD 0.002%). This variant has not been reported in the literature in individuals affected with PLCG2-related conditions. ClinVar contains an entry for this variant (Variation ID: 1035850). An algorithm developed to predict the effect of missense changes on protein structure and function (PolyPhen-2) suggests that this variant is likely to be tolerated. In summary, the available evidence is currently insufficient to determine the role of this variant in disease. Therefore, it has been classified as a Variant of Uncertain Significance.

Blueprint Genetics
Classification: Uncertain significance. Last evaluated: 2022-12-27. Review status: criteria provided, single submitter. Criteria: ACMG Guidelines, 2015. Collection method: clinical testing. Allele origin: germline.

NM_002661.5(PLCG2):c.2186T>C (p.Met729Thr)

Gene: PLCG2 (phospholipase C gamma 2; plus strand). Cytogenetic location: 16q23.3.
Variant type: single nucleotide variant.
Coding change: c.2186T>C on transcript NM_002661.5 (MANE Select); coding-DNA position 2186, T replaced by C.
Protein change: p.Met729Thr; replaces methionine 729 with threonine.
Molecular consequence: missense variant.
Genome position (GRCh38, 1-based): chr16:81,919,615, T>C. VCF-style: chr16-81919615-T-C. GRCh37 (hg19) VCF-style: chr16-81953220-T-C.
Other names: short protein forms M729T.
Identifiers: ClinVar variation 1035850 (VCV001035850.9), dbSNP rs1420066208, ClinGen allele CA396902087.